The following is an entry in ClinVar:

NM_000170.3(GLDC):c.2197G>A (p.Ala733Thr)

Gene: GLDC (glycine decarboxylase; minus strand). Cytogenetic location: 9p24.1.
Variant type: single nucleotide variant.
Coding change: c.2197G>A on transcript NM_000170.3 (MANE Select); coding-DNA position 2197, G replaced by A.
Protein change: p.Ala733Thr; replaces alanine 733 with threonine.
Molecular consequence: missense variant.
Genome position (GRCh38, 1-based): chr9:6,556,158, C>T on the plus strand (G>A on the coding strand, the complement: GLDC is on the minus strand). VCF-style: chr9-6556158-C-T. GRCh37 (hg19) VCF-style: chr9-6556158-C-T.
Other names: short protein forms A733T.
Identifiers: ClinVar variation 1472953 (VCV001472953.8), dbSNP rs2129725849, ClinGen allele CA372881167.

ClinVar aggregate classification (germline): Likely pathogenic (1 of 4 stars; one submission).

Conditions:
Glycine encephalopathy. Also called: Non-ketotic hyperglycinemia; Nonketotic hyperglycinemia. Identifiers: Orphanet 407, MedGen C0751748, MONDO:0011612, HP:0008288.

Submission:

Labcorp Genetics (formerly Invitae), Labcorp
Classification: Likely pathogenic for Glycine encephalopathy. Last evaluated: 2021-01-26. Review status: criteria provided, single submitter. Criteria: Invitae Variant Classification Sherloc (09022015). Collection method: clinical testing. Allele origin: germline.
Comment: In summary, the currently available evidence indicates that the variant is pathogenic, but additional data are needed to prove that conclusively. Therefore, this variant has been classified as Likely Pathogenic. This variant disrupts the p.Ala733 amino acid residue in GLDC. Other variant(s) that disrupt this residue have been determined to be pathogenic (PMID: 27362913). This suggests that this residue is clinically significant, and that variants that disrupt this residue are likely to be disease-causing. Advanced modeling of protein sequence and biophysical properties (such as structural, functional, and spatial information, amino acid conservation, physicochemical variation, residue mobility, and thermodynamic stability) performed at Invitae indicates that this missense variant is expected to disrupt GLDC protein function. This variant has not been reported in the literature in individuals with GLDC-related conditions. This variant is not present in population databases (ExAC no frequency). This sequence change replaces alanine with threonine at codon 733 of the GLDC protein (p.Ala733Thr). The alanine residue is highly conserved and there is a small physicochemical difference between alanine and threonine.

Literature cited by the submitters: PubMed 27362913.